The following is an entry in ClinVar:

NM_001172509.2(SATB2):c.2185G>A (p.Glu729Lys)

Genes: SATB2 (SATB homeobox 2; minus strand), LOC126806462 (MED14-independent group 3 enhancer GRCh37_chr2:200136608-200137807; plus strand). Cytogenetic location: 2q33.1.
Variant type: single nucleotide variant.
Coding change: c.2185G>A on transcript NM_001172509.2 (MANE Select); coding-DNA position 2185, G replaced by A.
Protein change: p.Glu729Lys; replaces glutamic acid 729 with lysine.
Molecular consequence: missense variant.
Genome position (GRCh38, 1-based): chr2:199,272,228, C>T on the plus strand (G>A on the coding strand, the complement: SATB2 is on the minus strand). VCF-style: chr2-199272228-C-T. GRCh37 (hg19) VCF-style: chr2-200136951-C-T.
Other names: c.2185G>A, p.Glu729Lys (NM_001172517.1, NM_015265.4); short protein forms E729K.
Identifiers: ClinVar variation 658810 (VCV000658810.9), dbSNP rs1489038642, ClinGen allele CA350384848.

ClinVar aggregate classification (germline): Uncertain significance (1 of 4 stars; one submission).

Conditions:
Chromosome 2q32-q33 deletion syndrome (GLASS). Also called: 2q33.1 deletion syndrome; Glass syndrome. Identifiers: Orphanet 251019, MedGen C2676739, MONDO:0012864, OMIM 612313.

Allele frequency attached by ClinVar (database versions not stated): gnomAD exomes below 0.00001; TOPMed below 0.00001.
gnomAD v4.1: 1 of 1,614,092 alleles (0.000062%); highest among the groups gnomAD compares: Non-Finnish European, 0.000085%; no homozygotes.

Submission:

Labcorp Genetics (formerly Invitae), Labcorp
Classification: Uncertain significance for Chromosome 2q32-q33 deletion syndrome. Last evaluated: 2022-02-03. Review status: criteria provided, single submitter. Criteria: Invitae Variant Classification Sherloc (09022015). Collection method: clinical testing. Allele origin: germline.
Comment: In summary, the available evidence is currently insufficient to determine the role of this variant in disease. Therefore, it has been classified as a Variant of Uncertain Significance. Advanced modeling of protein sequence and biophysical properties (such as structural, functional, and spatial information, amino acid conservation, physicochemical variation, residue mobility, and thermodynamic stability) performed at Invitae indicates that this missense variant is not expected to disrupt SATB2 protein function. ClinVar contains an entry for this variant (Variation ID: 658810). This variant has not been reported in the literature in individuals affected with SATB2-related conditions. This variant is present in population databases (no rsID available, gnomAD 0.0009%). This sequence change replaces glutamic acid, which is acidic and polar, with lysine, which is basic and polar, at codon 729 of the SATB2 protein (p.Glu729Lys).